The following is an entry in ClinVar:

ClinVar aggregate classification (germline): Uncertain significance (1 of 4 stars; one submission).

Conditions:
Cardiovascular phenotype. Identifiers: MedGen CN230736.

Submission:

Ambry Genetics
Classification: Uncertain significance for Cardiovascular phenotype. Last evaluated: 2026-03-11. Review status: criteria provided, single submitter. Criteria: Ambry Variant Classification Scheme 2023. Collection method: clinical testing. Allele origin: germline.
Comment: The p.G400E variant (also known as c.1199G>A), located in coding exon 8 of the LPL gene, results from a G to A substitution at nucleotide position 1199. The glycine at codon 400 is replaced by glutamic acid, an amino acid with similar properties. This amino acid position is conserved. In addition, this alteration is predicted to be deleterious by in silico analysis. Based on the available evidence, the clinical significance of this variant remains unclear.

NM_000237.3(LPL):c.1199G>A (p.Gly400Glu)

Gene: LPL (lipoprotein lipase; plus strand). Cytogenetic location: 8p21.3.
Variant type: single nucleotide variant.
Coding change: c.1199G>A on transcript NM_000237.3 (MANE Select); coding-DNA position 1199, G replaced by A.
Protein change: p.Gly400Glu; replaces glycine 400 with glutamic acid.
Molecular consequence: missense variant.
Genome position (GRCh38, 1-based): chr8:19,960,960, G>A. VCF-style: chr8-19960960-G-A. GRCh37 (hg19) VCF-style: chr8-19818471-G-A.
Other names: short protein forms G400E.
Identifiers: ClinVar variation 4841374 (VCV004841374.1).